The following is an entry in ClinVar:

NM_144670.6(A2ML1):c.413A>T (p.Tyr138Phe)

Genes: A2ML1 (alpha-2-macroglobulin like 1; plus strand), A2ML1-AS1 (A2ML1 antisense RNA 1; minus strand). Cytogenetic location: 12p13.31.
Variant type: single nucleotide variant.
Coding change: c.413A>T on transcript NM_144670.6 (MANE Select); coding-DNA position 413, A replaced by T.
Protein change: p.Tyr138Phe; replaces tyrosine 138 with phenylalanine.
Molecular consequence: missense variant.
Genome position (GRCh38, 1-based): chr12:8,829,730, A>T. VCF-style: chr12-8829730-A-T. GRCh37 (hg19) VCF-style: chr12-8982326-A-T.
Other names: short protein forms Y138F.
Identifiers: ClinVar variation 4716007 (VCV004716007.1).

ClinVar aggregate classification (germline): Uncertain significance (1 of 4 stars; one submission).

Submission:

Labcorp Genetics (formerly Invitae), Labcorp
Classification: Uncertain significance. Last evaluated: 2025-04-02. Review status: criteria provided, single submitter. Criteria: Invitae Variant Classification Sherloc (09022015). Collection method: clinical testing. Allele origin: germline.
Comment: This sequence change replaces tyrosine, which is neutral and polar, with phenylalanine, which is neutral and non-polar, at codon 138 of the A2ML1 protein (p.Tyr138Phe). This variant is not present in population databases (gnomAD no frequency). This variant has not been reported in the literature in individuals affected with A2ML1-related conditions. An algorithm developed to predict the effect of missense changes on protein structure and function outputs the following: PolyPhen-2: "Benign". The phenylalanine amino acid residue is found in multiple mammalian species, which suggests that this missense change does not adversely affect protein function. In summary, the available evidence is currently insufficient to determine the role of this variant in disease. Therefore, it has been classified as a Variant of Uncertain Significance.